The following is an entry in ClinVar:

GRCh37/hg19 12p13.2-11.1(chr12:10155706-34051988)x3

Genes: H4C16 (H4 histone 16; minus strand), HEBP1 (heme binding protein 1; minus strand), KLRC4 (killer cell lectin like receptor C4; minus strand), KLRD1 (killer cell lectin like receptor D1; plus strand), IRAG2 (inositol 1,4,5-triphosphate receptor associated 2; plus strand) and 143 more. Cytogenetic location: 12p13.2-11.1.
Variant type: copy number gain.
Change: copy number 3 (three copies instead of two) of chr12:10,155,706-34,051,988 (23.90 Mb, GRCh37 coordinates, 1-based), cytogenetic band 12p13.2-11.1.
Identifiers: ClinVar variation 3391852 (VCV003391852.1).

ClinVar aggregate classification (germline): Pathogenic (1 of 4 stars; one submission).

Submission:

Quest Diagnostics Nichols Institute San Juan Capistrano
Classification: Pathogenic. Last evaluated: 2024-02-14. Review status: criteria provided, single submitter. Criteria: ACMG/ClinGen CNV Guidelines, 2019. Collection method: clinical testing. Allele origin: unknown.
Comment: This copy number gain involves at least 140 protein-coding genes. Duplications within the current interval have been reported in individuals with various phenotypes (Collinson 2010, Liang 2006, Poirsier 2014). There are no similar copy number gains of this region in the general populations of the Database of Genomic Variants. Thus, based on gene count and current medical literature, this CNV is classified as pathogenic. References: Collinson et al., Am J Med Genet A. 2010 Dec;152A(12):3124-8. PMID: 21082660; Liang et al., Am J Med Genet A. 2006 Feb 1;140(3):238-44. PMID: 16411213; Poirsier et al., Eur J Med Genet. 2014 Apr;57(5):185-94. PMID: 24503147